The following is an entry in ClinVar:

ClinVar aggregate classification (germline): Uncertain significance. Review status: criteria provided, multiple submitters, no conflicts (2 of 4 stars). 2 submissions from 2 submitters: Uncertain significance (2). Last evaluated 2025-01-17.

Conditions:
Inborn genetic diseases. Identifiers: MedGen C0950123, MeSH D030342.

Allele frequency attached by ClinVar (database versions not stated): ESP Exome Variant Server 0.00015.
gnomAD v4.1: 139 of 1,604,434 alleles (0.0087%); highest among the groups gnomAD compares: Middle Eastern, 0.016%; no homozygotes.

Submissions (2):

Ambry Genetics
Classification: Uncertain significance for Inborn genetic diseases. Last evaluated: 2025-01-17. Review status: criteria provided, single submitter. Criteria: Ambry Variant Classification Scheme 2023. Collection method: clinical testing. Allele origin: germline.

Women's Health and Genetics/Laboratory Corporation of America, LabCorp
Classification: Uncertain significance. Last evaluated: 2023-12-07. Review status: criteria provided, single submitter. Criteria: LabCorp Variant Classification Summary - May 2015. Collection method: clinical testing. Allele origin: germline.
Comment: Variant summary: LHX3 c.818C>T (p.Pro273Leu) results in a non-conservative amino acid change in the encoded protein sequence. Four of five in-silico tools predict a benign effect of the variant on protein function. The variant allele was found at a frequency of 5.6e-05 in 231214 control chromosomes. This frequency is not significantly higher than estimated for a pathogenic variant in LHX3 causing Combined Pituitary Hormone Deficiency (5.6e-05 vs 0.0013), allowing no conclusion about variant significance. To our knowledge, no occurrence of c.818C>T in individuals affected with Combined Pituitary Hormone Deficiency and no experimental evidence demonstrating its impact on protein function have been reported. No submitters have cited clinical-significance assessments for this variant to ClinVar after 2014. Based on the evidence outlined above, the variant was classified as uncertain significance.

NM_178138.6(LHX3):c.803C>T (p.Pro268Leu)

Gene: LHX3 (LIM homeobox 3; minus strand). Cytogenetic location: 9q34.3.
Variant type: single nucleotide variant.
Coding change: c.803C>T on transcript NM_178138.6 (MANE Select); coding-DNA position 803, C replaced by T.
Protein change: p.Pro268Leu; replaces proline 268 with leucine.
Molecular consequence: missense variant.
Genome position (GRCh38, 1-based): chr9:136,197,716, G>A on the plus strand (C>T on the coding strand, the complement: LHX3 is on the minus strand). VCF-style: chr9-136197716-G-A. GRCh37 (hg19) VCF-style: chr9-139089562-G-A.
Other names: c.770C>T, p.Pro257Leu (NM_001363746.1); c.818C>T, p.Pro273Leu (NM_014564.5); c.818C>T (NM_014564.3); short protein forms P257L, P268L, P273L.
Identifiers: ClinVar variation 2691510 (VCV002691510.2), dbSNP rs368394827, ClinGen allele CA5330329.